The following is an entry in ClinVar:

ClinVar aggregate classification (germline): Conflicting classifications of pathogenicity. Review status: criteria provided, conflicting classifications (1 of 4 stars). 4 submissions from 4 submitters: Uncertain significance (3); Likely benign (1). Last evaluated 2026-01-24.

Conditions:
ATP7A-related disorder. Also called: ATP7A-related condition.
X-linked distal spinal muscular atrophy type 3. Also called: SPINAL MUSCULAR ATROPHY, DISTAL, X-LINKED RECESSIVE; NEURONOPATHY, DISTAL HEREDITARY MOTOR, X-LINKED; NEUROPATHY, DISTAL HEREDITARY MOTOR, X-LINKED; ATP7A-Related Distal Motor Neuropathy. Identifiers: Orphanet 139557, MedGen C1845359, MONDO:0010338, OMIM 300489.
Menkes kinky-hair syndrome (MNK). Also called: Copper transport disease; Classic Menkes Disease; Menkes Disease. Identifiers: Orphanet 565, MedGen C0022716, MONDO:0010651, OMIM 309400.
Cutis laxa, X-linked (OHS). Also called: EDS IX; Occipital horn syndrome. Identifiers: Orphanet 198, MedGen C0268353, MONDO:0010572, OMIM 304150.
Inborn genetic diseases. Identifiers: MedGen C0950123, MeSH D030342.

Allele frequency attached by ClinVar (database versions not stated): gnomAD exomes below 0.00001 and 0.00001; ExAC 0.00002; gnomAD 0.00002; TOPMed 0.00002.
gnomAD v4.1: 17 of 1,209,704 alleles (0.0014%); highest among the groups gnomAD compares: East Asian, 0.012%; no homozygotes.

Submissions (4):

Labcorp Genetics (formerly Invitae), Labcorp
Classification: Likely benign for X-linked distal spinal muscular atrophy type 3; Cutis laxa, X-linked; Menkes kinky-hair syndrome. Last evaluated: 2026-01-24. Review status: criteria provided, single submitter. Criteria: Invitae Variant Classification Sherloc (09022015). Collection method: clinical testing. Allele origin: germline.

PreventionGenetics, part of Exact Sciences
Classification: Uncertain significance for ATP7A-related condition. Last evaluated: 2025-12-26. Review status: criteria provided, single submitter. Criteria: ACMG Guidelines, 2015. Collection method: clinical testing. Allele origin: germline.
Comment: The ATP7A c.3775A>G variant is predicted to result in the amino acid substitution p.Lys1259Glu. To our knowledge, this variant has not been reported in the literature. This variant is reported in 0.020% of alleles in individuals of East Asian descent in gnomAD. At this time, the clinical significance of this variant is uncertain due to the absence of conclusive functional and genetic evidence.

Mayo Clinic Laboratories, Mayo Clinic
Classification: Uncertain significance. Last evaluated: 2025-02-05. Review status: criteria provided, single submitter. Criteria: ACMG Guidelines, 2015. Collection method: clinical testing. Allele origin: germline. Observed: 1 variant allele.

Ambry Genetics
Classification: Uncertain significance for Inborn genetic diseases. Last evaluated: 2025-01-22. Review status: criteria provided, single submitter. Criteria: Ambry Variant Classification Scheme 2023. Collection method: clinical testing. Allele origin: germline.

NM_000052.7(ATP7A):c.3775A>G (p.Lys1259Glu)

Gene: ATP7A (ATPase copper transporting alpha; plus strand). Cytogenetic location: Xq21.1.
Variant type: single nucleotide variant.
Coding change: c.3775A>G on transcript NM_000052.7 (MANE Select); coding-DNA position 3775, A replaced by G.
Protein change: p.Lys1259Glu; replaces lysine 1259 with glutamic acid.
Molecular consequence: missense variant. On other transcripts: non-coding transcript variant (1).
Genome position (GRCh38, 1-based): chrX:78,040,707, A>G. VCF-style: chrX-78040707-A-G. GRCh37 (hg19) VCF-style: chrX-77296205-A-G.
Other names: p.Lys1259Glu; c.3541A>G, p.Lys1181Glu (NM_001282224.2); c.3775A>G (NM_000052.6); short protein forms K1181E, K1259E.
Identifiers: ClinVar variation 1638398 (VCV001638398.13), dbSNP rs782428979, ClinGen allele CA10459458.